The following is an entry in ClinVar:

NM_006218.4(PIK3CA):c.2417-4T>G

Gene: PIK3CA (phosphatidylinositol-4,5-bisphosphate 3-kinase catalytic subunit alpha; plus strand). Cytogenetic location: 3q26.32.
Variant type: single nucleotide variant.
Coding change: c.2417-4T>G on transcript NM_006218.4 (MANE Select); 4 bases into the intron before coding-DNA position 2417, T replaced by G.
Molecular consequence: intron variant.
Genome position (GRCh38, 1-based): chr3:179,225,958, T>G. VCF-style: chr3-179225958-T-G. GRCh37 (hg19) VCF-style: chr3-178943746-T-G.
Other names: c.2417-4T>G (LRG_310t1, NM_006218.3).
Identifiers: ClinVar variation 412651 (VCV000412651.12), dbSNP rs1060503815, ClinGen allele CA16611202.

ClinVar aggregate classification (germline): Likely benign. Review status: criteria provided, multiple submitters, no conflicts (2 of 4 stars). 2 submissions from 2 submitters: Likely benign (2). Last evaluated 2024-12-21.

Conditions:
Cowden syndrome (CS). Also called: Cowden's disease; Cowden's syndrome; Cowden disease. Identifiers: Orphanet 201, MedGen C0018553, MONDO:0016063. Disease mechanism: gain of function.
PIK3CA-related disorder. Also called: PIK3CA-related disorders; PIK3CA-related condition; PIK3CA- related disease.

Allele frequency attached by ClinVar (database versions not stated): gnomAD exomes below 0.00001.
gnomAD v4.1: 4 of 1,507,854 alleles (0.00027%); highest among the groups gnomAD compares: Non-Finnish European, 0.00028%; no homozygotes.

Submissions (2):

PreventionGenetics, part of Exact Sciences
Classification: Likely benign for PIK3CA-related condition. Last evaluated: 2024-12-21. Review status: criteria provided, single submitter. Criteria: ACMG Guidelines, 2015. Collection method: clinical testing. Allele origin: germline.
Comment: This variant is classified as likely benign based on ACMG/AMP sequence variant interpretation guidelines (Richards et al. 2015 PMID: 25741868, with internal and published modifications).

Labcorp Genetics (formerly Invitae), Labcorp
Classification: Likely benign for Cowden syndrome. Last evaluated: 2016-11-16. Review status: criteria provided, single submitter. Criteria: Invitae Variant Classification Sherloc (09022015). Collection method: clinical testing. Allele origin: germline.